The following is an entry in ClinVar:

GRCh38/hg38 15q11.2(chr15:22775968-23066575)x1

Genes: CYFIP1 (cytoplasmic FMR1 interacting protein 1; minus strand), NIPA1 (NIPA magnesium transporter 1; plus strand), NIPA2 (NIPA magnesium transporter 2; plus strand), TUBGCP5 (tubulin gamma complex component 5; minus strand), LOC112272575 (Sharpr-MPRA regulatory region 8478; plus strand) and 13 more. Cytogenetic location: 15q11.2.
Variant type: copy number loss.
Change: copy number 1 (one copy instead of two) of chr15:22,775,968-23,066,575 (290.6 kb, GRCh38 coordinates, 1-based), cytogenetic band 15q11.2.
Identifiers: ClinVar variation 57529 (VCV000057529.2).

ClinVar aggregate classification (germline): Uncertain significance (1 of 4 stars; one submission).

Submission:

ISCA Site 6
Classification: Uncertain significance. Last evaluated: 2011-08-12. Review status: criteria provided, single submitter. Criteria: Kaminsky et al. (Genet Med. 2011). Collection method: clinical testing. Allele origin: unknown. Affected: yes. Observed: 1 variant allele.
Comment: Copy number variation identified through the course of routine clinical cytogenomic testing in postnatal populations. Clinical assertions have been curated as described in Kaminsky et al. 2011.